The following is an entry in ClinVar:

NM_017709.4(TENT5C):c.841A>G (p.Ile281Val)

Gene: TENT5C (terminal nucleotidyltransferase 5C; plus strand). Cytogenetic location: 1p12.
Variant type: single nucleotide variant.
Coding change: c.841A>G on transcript NM_017709.4 (MANE Select); coding-DNA position 841, A replaced by G.
Protein change: p.Ile281Val; replaces isoleucine 281 with valine.
Molecular consequence: missense variant.
Genome position (GRCh38, 1-based): chr1:117,623,709, A>G. VCF-style: chr1-117623709-A-G. GRCh37 (hg19) VCF-style: chr1-118166331-A-G.
Other names: short protein forms I281V.
Identifiers: ClinVar variation 134228 (VCV000134228.1), dbSNP rs77871185, ClinGen allele CA159207.

ClinVar aggregate classification (germline): not provided (0 of 4 stars; one submission).

Allele frequency attached by ClinVar (database versions not stated): 1000 Genomes Project 30x 0.00094; 1000 Genomes Project 0.00120; TOPMed 0.00240; gnomAD 0.00250 and 0.00267; gnomAD exomes 0.00257 and 0.00367; ExAC 0.00269; ESP Exome Variant Server 0.00292.
gnomAD v4.1: 5,707 of 1,614,162 alleles (0.35%); highest among the groups gnomAD compares: Non-Finnish European, 0.43%; 16 homozygotes.

Submission:

ITMI
No classification provided. Condition: AllHighlyPenetrant. Last evaluated: 2013-09-19. Review status: no classification provided. Collection method: reference population. Allele origin: germline.
Comment: Please see associated publication for description of ethnicities

Literature cited by the submitters: PubMed 24728327.